The following is an entry in ClinVar:

ClinVar aggregate classification (germline): Uncertain significance (1 of 4 stars; one submission).

Submission:

CeGaT Center for Human Genetics Tuebingen
Classification: Uncertain significance. Last evaluated: 2026-09-01. Review status: criteria provided, single submitter. Criteria: CeGaT Center For Human Genetics Tuebingen Variant Classification Criteria Version 2. Collection method: clinical testing. Allele origin: germline. Affected: yes. Observed: 1 variant allele.
Comment: AKAP9: PM2, BP4

NM_005751.5(AKAP9):c.10399-8A>C

Gene: AKAP9 (A-kinase anchoring protein 9; plus strand). Cytogenetic location: 7q21.2.
Variant type: single nucleotide variant.
Coding change: c.10399-8A>C on transcript NM_005751.5 (MANE Select); 8 bases into the intron before coding-DNA position 10399, A replaced by C.
Molecular consequence: intron variant.
Genome position (GRCh38, 1-based): chr7:92,097,578, A>C. VCF-style: chr7-92097578-A-C. GRCh37 (hg19) VCF-style: chr7-91726892-A-C.
Other names: c.10375-8A>C (NM_147185.3); c.5044-8A>C (NM_001379277.1).
Identifiers: ClinVar variation 5041594 (VCV005041594.1).